The following is an entry in ClinVar:

ClinVar aggregate classification (germline): Likely benign. Review status: criteria provided, multiple submitters, no conflicts (2 of 4 stars). 4 submissions from 4 submitters: Likely benign (3). 1 of the submissions does not count toward it. Last evaluated 2026-01-26.

Conditions:
FZD2-related disorder. Also called: FZD2-related condition.

Allele frequency attached by ClinVar (database versions not stated): gnomAD exomes 0.00035 and 0.00084; ExAC 0.00091; TOPMed 0.00276; 1000 Genomes Project 30x 0.00281; gnomAD 0.00287 and 0.00309; 1000 Genomes Project 0.00300; ESP Exome Variant Server 0.00331.
gnomAD v4.1: 982 of 1,614,000 alleles (0.061%); highest among the groups gnomAD compares: African/African-American, 0.95%; 5 homozygotes.

Submissions (4):

Labcorp Genetics (formerly Invitae), Labcorp
Classification: Likely benign. Last evaluated: 2026-01-26. Review status: criteria provided, single submitter. Criteria: Invitae Variant Classification Sherloc (09022015). Collection method: clinical testing. Allele origin: germline.

Blueprint Genetics
Classification: Likely benign. Last evaluated: 2024-11-11. Review status: criteria provided, single submitter. Criteria: ACMG Guidelines, 2015. Collection method: clinical testing. Allele origin: germline.

Breakthrough Genomics
Classification: Likely benign. Review status: criteria provided, single submitter. Criteria: ACMG Guidelines, 2015. Collection method: not provided. Allele origin: germline. Inheritance: Autosomal dominant inheritance. Affected: yes.

PreventionGenetics, part of Exact Sciences
Classification: Likely benign for FZD2-related condition. Last evaluated: 2019-03-25. Review status: no assertion criteria provided. Collection method: clinical testing. Allele origin: germline. Not counted in ClinVar's aggregate classification.
Comment: This variant is classified as likely benign based on ACMG/AMP sequence variant interpretation guidelines (Richards et al. 2015 PMID: 25741868, with internal and published modifications).

NM_001466.4(FZD2):c.1523C>T (p.Ala508Val)

Gene: FZD2 (frizzled class receptor 2; plus strand). Cytogenetic location: 17q21.31.
Variant type: single nucleotide variant.
Coding change: c.1523C>T on transcript NM_001466.4 (MANE Select); coding-DNA position 1523, C replaced by T.
Protein change: p.Ala508Val; replaces alanine 508 with valine.
Molecular consequence: missense variant.
Genome position (GRCh38, 1-based): chr17:44,559,211, C>T. VCF-style: chr17-44559211-C-T. GRCh37 (hg19) VCF-style: chr17-42636579-C-T.
Other names: short protein forms A508V.
Identifiers: ClinVar variation 777187 (VCV000777187.15), dbSNP rs138090948, ClinGen allele CA8604801.
Genomic context (GRCh38, chr17:44,559,211, plus strand): 5'-AGCACTGGGAGCGCTCGTGGGTGAGCCAGCACTGCAAGAGCCTGGCCATCCCGTGCCCGG[C>T]GCACTACACGCCGCGCATGTCGCCCGACTTCACGGTCTACATGATCAAATACCTCATGAC-3'
Protein context (NP_001457.1, residues 498-518): HCKSLAIPCP[Ala508Val]HYTPRMSPDF